The following is an entry in ClinVar:

ClinVar aggregate classification (germline): Uncertain significance. Review status: criteria provided, multiple submitters, no conflicts (2 of 4 stars). 3 submissions from 3 submitters: Uncertain significance (2). 1 of the submissions does not count toward it. Last evaluated 2025-02-05.

Conditions:
CTC1-related disorder. Also called: CTC1-related condition.
Dyskeratosis congenita. Identifiers: Orphanet 1775, MedGen C0265965, MONDO:0015780.

Allele frequency attached by ClinVar (database versions not stated): gnomAD exomes 0.00006; ExAC 0.00008; ESP Exome Variant Server 0.00008; TOPMed 0.00008; gnomAD 0.00009 and 0.00010.

Submissions (3):

St. Jude Molecular Pathology, St. Jude Children's Research Hospital
Classification: Uncertain significance for Dyskeratosis congenita. Last evaluated: 2025-02-05. Review status: criteria provided, single submitter. Criteria: St. Jude Assertion Criteria 2020. Collection method: clinical testing. Allele origin: germline.
Comment: The CTC1 c.3317C>A (p.Ser1106Tyr) missense change has a maximum subpopulation frequency of 0.028% in gnomAD v2.1.1. The in silico tool REVEL is inconclusive about a pathogenic or benign effect of this variant on protein function, and functional studies have not been performed. This variant has not been reported in individuals with CTC1-related DKC and Coats plus syndrome. In summary, the evidence currently available is insufficient to determine the clinical significance of this variant. It has therefore been classified as of uncertain significance.

Labcorp Genetics (formerly Invitae), Labcorp
Classification: Uncertain significance for Dyskeratosis congenita. Last evaluated: 2024-10-29. Review status: criteria provided, single submitter. Criteria: Invitae Variant Classification Sherloc (09022015). Collection method: clinical testing. Allele origin: germline.
Comment: This sequence change replaces serine, which is neutral and polar, with tyrosine, which is neutral and polar, at codon 1106 of the CTC1 protein (p.Ser1106Tyr). This variant is present in population databases (rs367822614, gnomAD 0.03%). This missense change has been observed in individual(s) with CTC1-related conditions (PMID: 37216690). ClinVar contains an entry for this variant (Variation ID: 529188). Invitae Evidence Modeling of protein sequence and biophysical properties (such as structural, functional, and spatial information, amino acid conservation, physicochemical variation, residue mobility, and thermodynamic stability) has been performed for this missense variant. However, the output from this modeling did not meet the statistical confidence thresholds required to predict the impact of this variant on CTC1 protein function. In summary, the available evidence is currently insufficient to determine the role of this variant in disease. Therefore, it has been classified as a Variant of Uncertain Significance.

PreventionGenetics, part of Exact Sciences
Classification: Uncertain significance for CTC1-related condition. Last evaluated: 2024-03-21. Review status: no assertion criteria provided. Collection method: clinical testing. Allele origin: germline. Not counted in ClinVar's aggregate classification.
Comment: The CTC1 c.3317C>A variant is predicted to result in the amino acid substitution p.Ser1106Tyr. To our knowledge, this variant has not been reported in the literature. This variant is reported in 0.029% of alleles in individuals of African descent in gnomAD. At this time, the clinical significance of this variant is uncertain due to the absence of conclusive functional and genetic evidence.

Literature cited by the submitters: PubMed 37216690 (cited by Labcorp Genetics (formerly Invitae), Labcorp).

NM_025099.6(CTC1):c.3317C>A (p.Ser1106Tyr)

Gene: CTC1 (CST telomere replication complex component 1; minus strand). Cytogenetic location: 17p13.1.
Variant type: single nucleotide variant.
Coding change: c.3317C>A on transcript NM_025099.6 (MANE Select); coding-DNA position 3317, C replaced by A.
Protein change: p.Ser1106Tyr; replaces serine 1106 with tyrosine.
Molecular consequence: missense variant. On other transcripts: non-coding transcript variant (1).
Genome position (GRCh38, 1-based): chr17:8,228,797, G>T on the plus strand (C>A on the coding strand, the complement: CTC1 is on the minus strand). VCF-style: chr17-8228797-G-T. GRCh37 (hg19) VCF-style: chr17-8132115-G-T.
Other names: short protein forms S1106Y.
Identifiers: ClinVar variation 529188 (VCV000529188.8), dbSNP rs367822614, ClinGen allele CA8371810.